The following is an entry in ClinVar:

NM_001080467.3(MYO5B):c.2004-13del

Gene: MYO5B (myosin VB; minus strand). Cytogenetic location: 18q21.1.
Variant type: Deletion.
Coding change: c.2004-13del on transcript NM_001080467.3 (MANE Select); 13 bases into the intron before coding-DNA position 2004, one base deleted (T; older notation c.2004-13delT).
Molecular consequence: intron variant.
Genome position (GRCh38, 1-based): chr18:49,929,611, A deleted on the plus strand (T on the coding strand, the reverse complement: MYO5B is on the minus strand); the first of 16 consecutive A bases (chr18:49,929,611-49,929,626); deleting any one gives the same sequence. VCF-style (leftmost placement, unchanged base first): chr18-49929610-GA-G. GRCh37 (hg19) VCF-style: chr18-47455980-GA-G.
Other names: c.2004-13delT (NM_001080467.2).
Identifiers: ClinVar variation 327057 (VCV000327057.10), dbSNP rs56278513, ClinGen allele CA8961264.

ClinVar aggregate classification (germline): Benign. Review status: criteria provided, multiple submitters, no conflicts (2 of 4 stars). 2 submissions from 2 submitters: Benign (2). Last evaluated 2021-06-09.

Submissions (2):

GeneDx
Classification: Benign. Last evaluated: 2021-06-09. Review status: criteria provided, single submitter. Criteria: GeneDx Variant Classification Process June 2021. Collection method: clinical testing. Allele origin: germline. Affected: yes.

Laboratory for Molecular Medicine, Mass General Brigham Personalized Medicine
Classification: Benign. Last evaluated: 2016-03-28. Review status: criteria provided, single submitter. Criteria: LMM Criteria. Collection method: clinical testing. Allele origin: germline.
Comment: Variant identified in a genome or exome case(s) and assessed due to predicted null impact of the variant or pathogenic assertions in the literature or databases. Disclaimer: This variant has not undergone full assessment. The following are preliminary notes: Frequency